The following is an entry in ClinVar:

NM_025137.4(SPG11):c.425T>C (p.Ile142Thr)

Gene: SPG11 (SPG11 vesicle trafficking associated, spatacsin; minus strand). Cytogenetic location: 15q21.1.
Variant type: single nucleotide variant.
Coding change: c.425T>C on transcript NM_025137.4 (MANE Select); coding-DNA position 425, T replaced by C.
Protein change: p.Ile142Thr; replaces isoleucine 142 with threonine.
Molecular consequence: missense variant.
Genome position (GRCh38, 1-based): chr15:44,660,449, A>G on the plus strand (T>C on the coding strand, the complement: SPG11 is on the minus strand). VCF-style: chr15-44660449-A-G. GRCh37 (hg19) VCF-style: chr15-44952647-A-G.
Other names: c.425T>C, p.Ile142Thr (NM_001160227.2); c.425T>C (NM_025137.3); short protein forms I142T.
Identifiers: ClinVar variation 1391162 (VCV001391162.8), dbSNP rs1428358542, ClinGen allele CA392238094.

ClinVar aggregate classification (germline): Uncertain significance. Review status: criteria provided, multiple submitters, no conflicts (2 of 4 stars). 2 submissions from 2 submitters: Uncertain significance (2). Last evaluated 2025-08-11.

Conditions:
Inborn genetic diseases. Identifiers: MedGen C0950123, MeSH D030342.
Hereditary spastic paraplegia 11. Also called: Nakamura Osame syndrome; Autosomal recessive hereditary spastic paraplegia, mental impairment, and thin corpus callosum; SPASTIC PARAPLEGIA, AUTOSOMAL RECESSIVE, COMPLICATED, WITH THIN CORPUS CALLOSUM; SPASTIC PARAPLEGIA, AUTOSOMAL RECESSIVE, WITH MENTAL IMPAIRMENT AND THIN CORPUS CALLOSUM; Spastic paraplegia, mental retardation and thin corpus callosum; Spastic Paraplegia 11. Identifiers: Orphanet 2822, MedGen C1858479, MONDO:0011445, OMIM 604360.

Allele frequency attached by ClinVar (database versions not stated): gnomAD exomes 0.00001; TOPMed 0.00006; gnomAD 0.00008 and 0.00009.
gnomAD v4.1: 25 of 1,613,822 alleles (0.0015%); highest among the groups gnomAD compares: Admixed American, 0.028%; no homozygotes.

Submissions (2):

Ambry Genetics
Classification: Uncertain significance for Inborn genetic diseases. Last evaluated: 2025-08-11. Review status: criteria provided, single submitter. Criteria: Ambry Variant Classification Scheme 2023. Collection method: clinical testing. Allele origin: germline.

Labcorp Genetics (formerly Invitae), Labcorp
Classification: Uncertain significance for Hereditary spastic paraplegia 11. Last evaluated: 2024-11-05. Review status: criteria provided, single submitter. Criteria: Invitae Variant Classification Sherloc (09022015). Collection method: clinical testing. Allele origin: germline.
Comment: This sequence change replaces isoleucine, which is neutral and non-polar, with threonine, which is neutral and polar, at codon 142 of the SPG11 protein (p.Ile142Thr). This variant is present in population databases (no rsID available, gnomAD 0.009%). This variant has not been reported in the literature in individuals affected with SPG11-related conditions. ClinVar contains an entry for this variant (Variation ID: 1391162). An algorithm developed to predict the effect of missense changes on protein structure and function outputs the following: PolyPhen-2: "Benign". The threonine amino acid residue is found in multiple mammalian species, which suggests that this missense change does not adversely affect protein function. In summary, the available evidence is currently insufficient to determine the role of this variant in disease. Therefore, it has been classified as a Variant of Uncertain Significance.